The following is an entry in ClinVar:

NM_080425.4(GNAS):c.265G>A (p.Gly89Arg)

Gene: GNAS (GNAS complex locus; plus strand). Cytogenetic location: 20q13.32.
Variant type: single nucleotide variant.
Coding change: c.265G>A on transcript NM_080425.4 (MANE Plus Clinical); coding-DNA position 265, G replaced by A.
Protein change: p.Gly89Arg; replaces glycine 89 with arginine.
Molecular consequence: missense variant. On other transcripts: synonymous variant (2), intron variant (3).
Genome position (GRCh38, 1-based): chr20:58,853,530, G>A. VCF-style: chr20-58853530-G-A. GRCh37 (hg19) VCF-style: chr20-57428585-G-A.
Other names: c.78G>A, p.Leu26= (NM_001077490.3, NM_001309883.1); c.265G>A, p.Gly89Arg (NM_001410913.1); c.*42+12644G>A (NM_016592.5); c.43+12644G>A (NM_001410912.1); c.-39+11655G>A (NM_001309861.2); short protein forms G89R.
Identifiers: ClinVar variation 2634588 (VCV002634588.3), dbSNP rs377706563, ClinGen allele CA9926442.
Genomic context (GRCh38, chr20:58,853,530, plus strand): 5'-GGACCCCCAGAGGTCTCCAGACCCAACTTTCAGGTCCTCAACCCGGCATTCAGGGAAGCT[G>A]GAGCCCATGGAAGCTACAGCCCACCTCCTGAGGAAGCAATGCCCTTCGAGGCTGAACAGC-3'
Protein context (NP_536350.2, residues 79-99): QVLNPAFREA[Gly89Arg]AHGSYSPPPE

ClinVar aggregate classification (germline): Uncertain significance. Review status: criteria provided, single submitter (1 of 4 stars). 2 submissions from 2 submitters: Uncertain significance (1). 1 of the submissions does not count toward it. Last evaluated 2025-05-24.

Conditions:
Pseudopseudohypoparathyroidism (PPHP). Also called: ALBRIGHT HEREDITARY OSTEODYSTROPHY WITHOUT MULTIPLE HORMONE RESISTANCE; Pseudopseudohypoparathyroidism (PPHP). Identifiers: Orphanet 79445, MedGen C0033835, MONDO:0012912, OMIM 612463.
GNAS-related disorder. Identifiers: MedGen CN380105.

Allele frequency attached by ClinVar (database versions not stated): TOPMed 0.00003; gnomAD exomes 0.00014; gnomAD 0.00003; ExAC 0.00003; ESP Exome Variant Server 0.00008.
gnomAD v4.1: 207 of 1,613,144 alleles (0.013%); highest among the groups gnomAD compares: Non-Finnish European, 0.017%; no homozygotes.

Submissions (2):

Clinical Genomics Laboratory, Washington University in St. Louis
Classification: Uncertain significance for Pseudopseudohypoparathyroidism. Last evaluated: 2025-05-24. Review status: criteria provided, single submitter. Criteria: ACMG Guidelines, 2015. Collection method: clinical testing. Allele origin: germline.
Comment: A GNAS c.265G>A (p.Gly89Arg) was identified at a near heterozygous allelic fraction of 48.9%. This variant, to our knowledge, is not reported in the medical literature. This variant is reported in the ClinVar database as a germline variant of uncertain significance by one submitter (ClinVar Variation ID: 2634588). It is observed on 207/1,613,144 alleles in the general population (gnomAD v4.1.0). Computational predictors suggest that the variant does not impact GNAS function. Due to limited information, and based on ACMG/AMP guidelines for variant interpretation (Richards S et al., PMID: 25741868), the clinical significance of this variant is uncertain at this time.

PreventionGenetics, part of Exact Sciences
Classification: Uncertain significance for GNAS-related condition. Last evaluated: 2024-05-15. Review status: no assertion criteria provided. Collection method: clinical testing. Allele origin: germline. Not counted in ClinVar's aggregate classification.
Comment: The GNAS c.265G>A variant is predicted to result in the amino acid substitution p.Gly89Arg. In the more commonly reported transcript (NM_000516.5), this variant is pre-coding (c.-38197G>A). To our knowledge, this variant has not been reported in the literature. This variant is reported in 0.010% of alleles in individuals of European (Non-Finnish) descent in gnomAD. At this time, the clinical significance of this variant is uncertain due to the absence of conclusive functional and genetic evidence.